The following is an entry in ClinVar:

ClinVar aggregate classification (germline): Uncertain significance. Review status: criteria provided, multiple submitters, no conflicts (2 of 4 stars). 2 submissions from 2 submitters: Uncertain significance (2). Last evaluated 2025-01-27.

Conditions:
Inborn genetic diseases. Identifiers: MedGen C0950123, MeSH D030342.
Fanconi anemia (FA). Also called: Fanconi's anemia. Identifiers: Orphanet 84, MedGen C0015625, MeSH D005199, MONDO:0019391.

Allele frequency attached by ClinVar (database versions not stated): gnomAD exomes below 0.00001.
gnomAD v4.1: 2 of 1,613,702 alleles (0.00012%); highest among the groups gnomAD compares: Non-Finnish European, 0.00017%; no homozygotes.

Submissions (2):

Ambry Genetics
Classification: Uncertain significance for Inborn genetic diseases. Last evaluated: 2025-01-27. Review status: criteria provided, single submitter. Criteria: Ambry Variant Classification Scheme 2023. Collection method: clinical testing. Allele origin: germline.
Comment: The p.D753Y variant (also known as c.2257G>T), located in coding exon 13 of the FANCM gene, results from a G to T substitution at nucleotide position 2257. The aspartic acid at codon 753 is replaced by tyrosine, an amino acid with highly dissimilar properties. This amino acid position is conserved. In addition, this alteration is predicted to be tolerated by in silico analysis. Based on the available evidence, the clinical significance of this variant remains unclear.

Labcorp Genetics (formerly Invitae), Labcorp
Classification: Uncertain significance for Fanconi anemia. Last evaluated: 2021-08-09. Review status: criteria provided, single submitter. Criteria: Invitae Variant Classification Sherloc (09022015). Collection method: clinical testing. Allele origin: germline.
Comment: Algorithms developed to predict the effect of missense changes on protein structure and function are either unavailable or do not agree on the potential impact of this missense change (SIFT: "Tolerated"; PolyPhen-2: "Possibly Damaging"; Align-GVGD: "Class C0"). This variant has not been reported in the literature in individuals with FANCM-related conditions. This variant is not present in population databases (ExAC no frequency). This sequence change replaces aspartic acid with tyrosine at codon 753 of the FANCM protein (p.Asp753Tyr). The aspartic acid residue is moderately conserved and there is a large physicochemical difference between aspartic acid and tyrosine. In summary, the available evidence is currently insufficient to determine the role of this variant in disease. Therefore, it has been classified as a Variant of Uncertain Significance.

NM_020937.4(FANCM):c.2257G>T (p.Asp753Tyr)

Gene: FANCM (FA complementation group M; plus strand). Cytogenetic location: 14q21.2.
Variant type: single nucleotide variant.
Coding change: c.2257G>T on transcript NM_020937.4 (MANE Select); coding-DNA position 2257, G replaced by T.
Protein change: p.Asp753Tyr; replaces aspartic acid 753 with tyrosine.
Molecular consequence: missense variant.
Genome position (GRCh38, 1-based): chr14:45,173,151, G>T. VCF-style: chr14-45173151-G-T. GRCh37 (hg19) VCF-style: chr14-45642354-G-T.
Other names: c.2179G>T, p.Asp727Tyr (NM_001308133.2); c.2257G>T (NM_020937.2); short protein forms D727Y, D753Y.
Identifiers: ClinVar variation 1004845 (VCV001004845.9), dbSNP rs1888448129, ClinGen allele CA389596789.
Genomic context (GRCh38, chr14:45,173,151, plus strand): 5'-CTCTCTGAATGGAGACTGTGGCAAGATCATCCTTTGCCTACACATCAAGTTGATCACTCA[G>T]ATCGATGCCGCCATTTTATAGGCCTTATGCAAATGATAGAGGGAATGAGACACGAAGAGG-3'
Protein context (NP_065988.1, residues 743-763): PLPTHQVDHS[Asp753Tyr]RCRHFIGLMQ